The following is an entry in ClinVar:

ClinVar aggregate classification (germline): Uncertain significance. Review status: criteria provided, multiple submitters, no conflicts (2 of 4 stars). 2 submissions from 2 submitters: Uncertain significance (2). Last evaluated 2026-03-15.

Conditions:
Cardiovascular phenotype. Identifiers: MedGen CN230736.
Dilated cardiomyopathy 1AA (CMD1AA). Also called: CARDIOMYOPATHY, DILATED, 1AA, WITH OR WITHOUT LEFT VENTRICULAR NONCOMPACTION; CARDIOMYOPATHY, FAMILIAL HYPERTROPHIC, 23, WITH OR WITHOUT LEFT VENTRICULAR NONCOMPACTION; Cardiomyopathy, dilated, 1AA, with or without LVNC. Identifiers: Orphanet 154, MedGen C2677338, MONDO:0012808, OMIM 612158.
Primary familial hypertrophic cardiomyopathy (HCM). Identifiers: Orphanet 99739, MedGen C0949658, MeSH D024741, MONDO:0024573. Inheritance: Various modes of inheritance.

gnomAD v4.1: 2 of 1,614,110 alleles (0.00012%); highest among the groups gnomAD compares: Non-Finnish European, 0.00017%; no homozygotes.

Submissions (2):

Ambry Genetics
Classification: Uncertain significance for Cardiovascular phenotype. Last evaluated: 2026-03-15. Review status: criteria provided, single submitter. Criteria: Ambry Variant Classification Scheme 2023. Collection method: clinical testing. Allele origin: germline.
Comment: The p.I832F variant (also known as c.2494A>T), located in coding exon 20 of the ACTN2 gene, results from an A to T substitution at nucleotide position 2494. The isoleucine at codon 832 is replaced by phenylalanine, an amino acid with highly similar properties. This amino acid position is conserved. In addition, this alteration is predicted to be tolerated by in silico analysis. Based on the available evidence, the clinical significance of this variant remains unclear.

Labcorp Genetics (formerly Invitae), Labcorp
Classification: Uncertain significance for Primary familial hypertrophic cardiomyopathy; Dilated cardiomyopathy 1AA. Last evaluated: 2024-04-18. Review status: criteria provided, single submitter. Criteria: Invitae Variant Classification Sherloc (09022015). Collection method: clinical testing. Allele origin: germline.
Comment: This sequence change replaces isoleucine, which is neutral and non-polar, with phenylalanine, which is neutral and non-polar, at codon 832 of the ACTN2 protein (p.Ile832Phe). This variant is present in population databases (rs767441575, gnomAD 0.0009%). This variant has not been reported in the literature in individuals affected with ACTN2-related conditions. Advanced modeling of protein sequence and biophysical properties (such as structural, functional, and spatial information, amino acid conservation, physicochemical variation, residue mobility, and thermodynamic stability) performed at Invitae indicates that this missense variant is not expected to disrupt ACTN2 protein function with a negative predictive value of 80%. In summary, the available evidence is currently insufficient to determine the role of this variant in disease. Therefore, it has been classified as a Variant of Uncertain Significance.

NM_001103.4(ACTN2):c.2494A>T (p.Ile832Phe)

Gene: ACTN2 (actinin alpha 2; plus strand). Cytogenetic location: 1q43.
Variant type: single nucleotide variant.
Coding change: c.2494A>T on transcript NM_001103.4 (MANE Select); coding-DNA position 2494, A replaced by T.
Protein change: p.Ile832Phe; replaces isoleucine 832 with phenylalanine.
Molecular consequence: missense variant. On other transcripts: non-coding transcript variant (1).
Genome position (GRCh38, 1-based): chr1:236,761,141, A>T. VCF-style: chr1-236761141-A-T. GRCh37 (hg19) VCF-style: chr1-236924441-A-T.
Other names: c.2494A>T (NM_001103.2); c.2494A>T, p.Ile832Phe (NM_001278343.2); short protein forms I832F.
Identifiers: ClinVar variation 3757554 (VCV003757554.3).